The following is an entry in ClinVar:

NM_006767.4(LZTR1):c.945C>T (p.Asp315=)

Gene: LZTR1 (leucine zipper like post translational regulator 1; plus strand). Cytogenetic location: 22q11.21.
Variant type: single nucleotide variant.
Coding change: c.945C>T on transcript NM_006767.4 (MANE Select); coding-DNA position 945, C replaced by T.
Protein change: p.Asp315=; no amino-acid change (aspartic acid 315 retained).
Molecular consequence: synonymous variant.
Genome position (GRCh38, 1-based): chr22:20,991,781, C>T. VCF-style: chr22-20991781-C-T. GRCh37 (hg19) VCF-style: chr22-21346070-C-T.
Identifiers: ClinVar variation 512748 (VCV000512748.55), dbSNP rs559942119, ClinGen allele CA10118668.
Genomic context (GRCh38, chr22:20,991,781, plus strand): 5'-CCTCTATGTGTTTGGGGGTGCGGCCGACAACACGCTGCCCAACGAGCTGCACTGCTATGA[C>T]GTGGACTTCCAGACCTGGGAGGTCGTCCAGCCCAGCTCCGACAGCGAGGTGAGGGTGCCC-3'
Protein context (NP_006758.2, residues 305-325): NTLPNELHCY[Asp315=]VDFQTWEVVQ

ClinVar aggregate classification (germline): Benign/Likely benign. Review status: criteria provided, multiple submitters, no conflicts (2 of 4 stars). 7 submissions from 7 submitters: Benign (2); Likely benign (5). Last evaluated 2026-01-30.

Conditions:
Noonan syndrome 10 (NS10). Identifiers: Orphanet 648, MedGen C4225280, MONDO:0014693, OMIM 616564.
Noonan syndrome 2 (NS2). Identifiers: Orphanet 648, MedGen C1854469, MONDO:0011531, OMIM 605275.
LZTR1-related schwannomatosis. Also called: Schwannomatosis 2; Schwannomatosis-2, susceptibility to. Identifiers: Orphanet 93921, MedGen C3810283, MONDO:0014299, OMIM 615670.
Hereditary cancer-predisposing syndrome. Also called: Neoplastic Syndromes, Hereditary; Hereditary Cancer Syndrome; Tumor predisposition; Hereditary neoplastic syndrome. Identifiers: Orphanet 140162, MedGen C0027672, MeSH D009386, MONDO:0015356.
Cardiovascular phenotype. Identifiers: MedGen CN230736.

Allele frequency attached by ClinVar (database versions not stated): gnomAD exomes 0.00019 and 0.00012; ExAC below 0.00001; TOPMed 0.00010; gnomAD 0.00015 and 0.00016.
gnomAD v4.1: 284 of 1,553,666 alleles (0.018%); highest among the groups gnomAD compares: Non-Finnish European, 0.023%; no homozygotes.

Submissions (7):

Labcorp Genetics (formerly Invitae), Labcorp
Classification: Likely benign. Last evaluated: 2026-01-30. Review status: criteria provided, single submitter. Criteria: Invitae Variant Classification Sherloc (09022015). Collection method: clinical testing. Allele origin: germline.

CeGaT Center for Human Genetics Tuebingen
Classification: Likely benign. Last evaluated: 2026-01-01. Review status: criteria provided, single submitter. Criteria: CeGaT Center For Human Genetics Tuebingen Variant Classification Criteria Version 2. Collection method: clinical testing. Allele origin: germline. Affected: yes. Observed: 4 variant alleles.
Comment: LZTR1: BP4, BP7

Blueprint Genetics
Classification: Likely benign. Last evaluated: 2024-11-27. Review status: criteria provided, single submitter. Criteria: ACMG Guidelines, 2015. Collection method: clinical testing. Allele origin: germline.

Department of Pathology and Laboratory Medicine, Sinai Health System
Classification: Likely benign for Noonan syndrome 2; LZTR1-related schwannomatosis; Noonan syndrome 10. Last evaluated: 2023-05-16. Review status: criteria provided, single submitter. Criteria: ACMG Guidelines, 2015. Collection method: clinical testing. Allele origin: germline. Affected: yes.

GeneDx
Classification: Likely benign. Last evaluated: 2020-11-15. Review status: criteria provided, single submitter. Criteria: GeneDx Variant Classification Process June 2021. Collection method: clinical testing. Allele origin: germline. Affected: yes.

Women's Health and Genetics/Laboratory Corporation of America, LabCorp
Classification: Benign. Last evaluated: 2020-09-16. Review status: criteria provided, single submitter. Criteria: LabCorp Variant Classification Summary - May 2015. Collection method: clinical testing. Allele origin: germline.
Comment: Variant summary: LZTR1 c.945C>T alters a non-conserved nucleotide resulting in a synonymous change. 4/4 computational tools predict no significant impact on normal splicing. However, these predictions have yet to be confirmed by functional studies. The variant allele was found at a frequency of 0.00015 in 190060 control chromosomes, predominantly at a frequency of 0.00031 within the Non-Finnish European subpopulation in the gnomAD database. The observed variant frequency within Non-Finnish European control individuals in the gnomAD database is approximately 62 fold of the estimated maximal expected allele frequency for a pathogenic variant in LZTR1 causing Noonan Syndrome phenotype (5e-06), strongly suggesting that the variant is a benign polymorphism found primarily in populations of Non-Finnish European origin. To our knowledge, no occurrence of c.945C>T in individuals affected with Noonan Syndrome and no experimental evidence demonstrating its impact on protein function have been reported. Two ClinVar submitters (evaluation after 2014) cite the variant as uncertain significance and likely benign. Based on the evidence outlined above, the variant was classified as benign.

Ambry Genetics
Classification: Benign for Cardiovascular phenotype; Hereditary cancer-predisposing syndrome. Last evaluated: 2020-08-06. Review status: criteria provided, single submitter. Criteria: Ambry Variant Classification Scheme 2023. Collection method: clinical testing. Allele origin: germline.